The following is an entry in ClinVar:

NM_144573.4(NEXN):c.1634G>C (p.Arg545Thr)

Gene: NEXN (nexilin F-actin binding protein; plus strand). Cytogenetic location: 1p31.1.
Variant type: single nucleotide variant.
Coding change: c.1634G>C on transcript NM_144573.4 (MANE Select); coding-DNA position 1634, G replaced by C.
Protein change: p.Arg545Thr; replaces arginine 545 with threonine.
Molecular consequence: missense variant.
Genome position (GRCh38, 1-based): chr1:77,942,183, G>C. VCF-style: chr1-77942183-G-C. GRCh37 (hg19) VCF-style: chr1-78407868-G-C.
Other names: c.1442G>C, p.Arg481Thr (NM_001172309.2); short protein forms R481T, R545T.
Identifiers: ClinVar variation 1776899 (VCV001776899.5), dbSNP rs773258784, ClinGen allele CA918941.

ClinVar aggregate classification (germline): Uncertain significance. Review status: criteria provided, multiple submitters, no conflicts (2 of 4 stars). 2 submissions from 2 submitters: Uncertain significance (2). Last evaluated 2026-03-26.

Conditions:
Cardiovascular phenotype. Identifiers: MedGen CN230736.
NEXN-related disorder. Also called: NEXN-related condition; NEXN-related disorders.

Allele frequency attached by ClinVar (database versions not stated): TOPMed 0.00001; gnomAD 0.00003.
gnomAD v4.1: 8 of 1,613,596 alleles (0.0005%); highest among the groups gnomAD compares: Middle Eastern, 0.033%; no homozygotes.

Submissions (2):

PreventionGenetics, part of Exact Sciences
Classification: Uncertain significance for NEXN-related condition. Last evaluated: 2026-03-26. Review status: criteria provided, single submitter. Criteria: ACMG Guidelines, 2015. Collection method: clinical testing. Allele origin: germline.
Comment: The NEXN c.1634G>C variant is predicted to result in the amino acid substitution p.Arg545Thr. To our knowledge, this variant has not been reported in the literature. This variant is reported in 0.012% of alleles in individuals of African descent in gnomAD. At this time, the clinical significance of this variant is uncertain due to the absence of conclusive functional and genetic evidence.

Ambry Genetics
Classification: Uncertain significance for Cardiovascular phenotype. Last evaluated: 2025-12-02. Review status: criteria provided, single submitter. Criteria: Ambry Variant Classification Scheme 2023. Collection method: clinical testing. Allele origin: germline.
Comment: The p.R545T variant (also known as c.1634G>C), located in coding exon 11 of the NEXN gene, results from a G to C substitution at nucleotide position 1634. The arginine at codon 545 is replaced by threonine, an amino acid with similar properties. This amino acid position is poorly conserved in available vertebrate species. In addition, this alteration is predicted to be tolerated by in silico analysis. Since supporting evidence is limited at this time, the clinical significance of this alteration remains unclear.